The following is an entry in ClinVar:

NM_002907.4(RECQL):c.112A>G (p.Lys38Glu)

Gene: RECQL (RecQ like helicase; minus strand). Cytogenetic location: 12p12.1.
Variant type: single nucleotide variant.
Coding change: c.112A>G on transcript NM_002907.4 (MANE Select); coding-DNA position 112, A replaced by G.
Protein change: p.Lys38Glu; replaces lysine 38 with glutamic acid.
Molecular consequence: missense variant.
Genome position (GRCh38, 1-based): chr12:21,491,621, T>C on the plus strand (A>G on the coding strand, the complement: RECQL is on the minus strand). VCF-style: chr12-21491621-T-C. GRCh37 (hg19) VCF-style: chr12-21644555-T-C.
Other names: c.112A>G, p.Lys38Glu (NM_032941.3); short protein forms K38E.
Identifiers: ClinVar variation 3431775 (VCV003431775.1).

ClinVar aggregate classification (germline): Uncertain significance (1 of 4 stars; one submission).

Submission:

Ambry Genetics
Classification: Uncertain significance. Last evaluated: 2024-11-21. Review status: criteria provided, single submitter. Criteria: Ambry Variant Classification Scheme 2023. Collection method: clinical testing. Allele origin: germline.
Comment: The p.K38E variant (also known as c.112A>G), located in coding exon 2 of the RECQL gene, results from an A to G substitution at nucleotide position 112. The lysine at codon 38 is replaced by glutamic acid, an amino acid with similar properties. This amino acid position is conserved. In addition, the in silico prediction for this alteration is inconclusive. Based on the available evidence, the clinical significance of this variant remains unclear.